The following is an entry in ClinVar:

NM_005327.7(HADH):c.709+32A>G

Gene: HADH (hydroxyacyl-CoA dehydrogenase; plus strand). Cytogenetic location: 4q25.
Variant type: single nucleotide variant.
Coding change: c.709+32A>G on transcript NM_005327.7 (MANE Select); 32 bases into the intron after coding-DNA position 709, A replaced by G.
Molecular consequence: intron variant.
Genome position (GRCh38, 1-based): chr4:108,027,792, A>G. VCF-style: chr4-108027792-A-G. GRCh37 (hg19) VCF-style: chr4-108948948-A-G.
Other names: c.709+32A>G (NM_001184705.4); c.721+32A>G (NM_001331027.2).
Identifiers: ClinVar variation 3034297 (VCV003034297.2), dbSNP rs2126237060, ClinGen allele CA2671694062.
Genomic context (GRCh38, chr4:108,027,792, plus strand): 5'-CATGGAAGCAATCAGGCTGTATGAACGAGGTATCCTTCTGACCCAGGCCAGGAGCAGCAG[A>G]CCTCAGCTCCTGGCGCCACTGTCTGGAATTCTCAGTGTCTCTAGGAGGGGTCGGGCCGTG-3'

ClinVar aggregate classification (germline): Likely benign (0 of 4 stars; one submission).

Conditions:
HADH-related disorder. Also called: HADH-related condition.

Allele frequency attached by ClinVar (database versions not stated): gnomAD exomes 0.00001.
gnomAD v4.1: 14 of 1,279,744 alleles (0.0011%); highest among the groups gnomAD compares: Non-Finnish European, 0.0015%; no homozygotes.

Submission:

PreventionGenetics, part of Exact Sciences
Classification: Likely benign for HADH-related condition. Last evaluated: 2020-03-20. Review status: no assertion criteria provided. Collection method: clinical testing. Allele origin: germline.
Comment: This variant is classified as likely benign based on ACMG/AMP sequence variant interpretation guidelines (Richards et al. 2015 PMID: 25741868, with internal and published modifications).